The following is an entry in ClinVar:

NM_014967.5(FAN1):c.292A>G (p.Thr98Ala)

Gene: FAN1 (FANCD2 and FANCI associated nuclease 1; plus strand). Cytogenetic location: 15q13.3.
Variant type: single nucleotide variant.
Coding change: c.292A>G on transcript NM_014967.5 (MANE Select); coding-DNA position 292, A replaced by G.
Protein change: p.Thr98Ala; replaces threonine 98 with alanine.
Molecular consequence: missense variant.
Genome position (GRCh38, 1-based): chr15:30,904,955, A>G. VCF-style: chr15-30904955-A-G. GRCh37 (hg19) VCF-style: chr15-31197158-A-G.
Other names: c.292A>G, p.Thr98Ala (NM_001146094.2, NM_001146095.1, NM_001146096.2); short protein forms T98A.
Identifiers: ClinVar variation 2185074 (VCV002185074.4), dbSNP rs199838412, ClinGen allele CA7450024.

ClinVar aggregate classification (germline): Uncertain significance (1 of 4 stars; one submission).

Allele frequency attached by ClinVar (database versions not stated): gnomAD 0.00001; ExAC 0.00002; TOPMed 0.00002; gnomAD exomes 0.00003; ESP Exome Variant Server 0.00008.
gnomAD v4.1: 41 of 1,613,906 alleles (0.0025%); highest among the groups gnomAD compares: Non-Finnish European, 0.0033%; no homozygotes.

Submission:

Labcorp Genetics (formerly Invitae), Labcorp
Classification: Uncertain significance. Last evaluated: 2022-07-09. Review status: criteria provided, single submitter. Criteria: Invitae Variant Classification Sherloc (09022015). Collection method: clinical testing. Allele origin: germline.
Comment: In summary, the available evidence is currently insufficient to determine the role of this variant in disease. Therefore, it has been classified as a Variant of Uncertain Significance. This sequence change replaces threonine, which is neutral and polar, with alanine, which is neutral and non-polar, at codon 98 of the FAN1 protein (p.Thr98Ala). This variant is present in population databases (rs199838412, gnomAD 0.003%). This variant has not been reported in the literature in individuals affected with FAN1-related conditions. Algorithms developed to predict the effect of missense changes on protein structure and function output the following: SIFT: "Tolerated"; PolyPhen-2: "Benign"; Align-GVGD: "Class C0". The alanine amino acid residue is found in multiple mammalian species, which suggests that this missense change does not adversely affect protein function.